The following is an entry in ClinVar:

NM_001134363.3(RBM20):c.788A>G (p.Tyr263Cys)

Gene: RBM20 (RNA binding motif protein 20; plus strand). Cytogenetic location: 10q25.2.
Variant type: single nucleotide variant.
Coding change: c.788A>G on transcript NM_001134363.3 (MANE Select); coding-DNA position 788, A replaced by G.
Protein change: p.Tyr263Cys; replaces tyrosine 263 with cysteine.
Molecular consequence: missense variant.
Genome position (GRCh38, 1-based): chr10:110,781,397, A>G. VCF-style: chr10-110781397-A-G. GRCh37 (hg19) VCF-style: chr10-112541155-A-G.
Other names: c.788A>G (LRG_382t1); short protein forms Y263C.
Identifiers: ClinVar variation 298788 (VCV000298788.10), dbSNP rs886046701, ClinGen allele CA10628029.
Genomic context (GRCh38, chr10:110,781,397, plus strand): 5'-AAACAGATGGTCAGCCTGGCTTCCTGCCATCCTCGGCCTCAACCTCGGGCAGTGTGACCT[A>G]TGAAGGGCACTACAGCCACACAGGGCAGGATGGTCAAGCTGCCTTTTCCAAAGATTTTTA-3'
Protein context (NP_001127835.2, residues 253-273): SSASTSGSVT[Tyr263Cys]EGHYSHTGQD

ClinVar aggregate classification (germline): Conflicting classifications of pathogenicity. Review status: criteria provided, conflicting classifications (1 of 4 stars). 3 submissions from 3 submitters: Uncertain significance (2); Benign (1). Last evaluated 2025-06-01.

Conditions:
Dilated cardiomyopathy 1DD (CMD1DD). Identifiers: Orphanet 154, MedGen C2750995, MONDO:0013168, OMIM 613172.

Allele frequency attached by ClinVar (database versions not stated): gnomAD 0.00001; gnomAD exomes 0.00001 and 0.00003; TOPMed 0.00001.
gnomAD v4.1: 14 of 1,551,530 alleles (0.0009%); highest among the groups gnomAD compares: African/African-American, 0.0014%; no homozygotes.

Submissions (3):

Labcorp Genetics (formerly Invitae), Labcorp
Classification: Benign for Dilated cardiomyopathy 1DD. Last evaluated: 2025-06-01. Review status: criteria provided, single submitter. Criteria: Invitae Variant Classification Sherloc (09022015). Collection method: clinical testing. Allele origin: germline.

GeneDx
Classification: Uncertain significance. Last evaluated: 2025-02-13. Review status: criteria provided, single submitter. Criteria: GeneDx Variant Classification Process June 2021. Collection method: clinical testing. Allele origin: germline. Affected: yes.
Comment: In silico analysis supports that this missense variant has a deleterious effect on protein structure/function; Has not been previously published as pathogenic or benign to our knowledge

Illumina Laboratory Services, Illumina
Classification: Uncertain significance for Dilated cardiomyopathy 1DD. Last evaluated: 2018-01-12. Review status: criteria provided, single submitter. Criteria: ICSL Variant Classification Criteria 13 December 2019. Collection method: clinical testing. Allele origin: germline.